The following is an entry in ClinVar:

ClinVar aggregate classification (germline): Likely pathogenic (1 of 4 stars; one submission).

Submission:

Labcorp Genetics (formerly Invitae), Labcorp
Classification: Likely pathogenic. Last evaluated: 2024-03-04. Review status: criteria provided, single submitter. Criteria: Invitae Variant Classification Sherloc (09022015). Collection method: clinical testing. Allele origin: germline.
Comment: This sequence change affects a donor splice site in intron 46 of the FRAS1 gene. It is expected to disrupt RNA splicing. Variants that disrupt the donor or acceptor splice site typically lead to a loss of protein function (PMID: 16199547), and loss-of-function variants in FRAS1 are known to be pathogenic (PMID: 12766769, 18671281). This variant is not present in population databases (gnomAD no frequency). This variant has not been reported in the literature in individuals affected with FRAS1-related conditions. Algorithms developed to predict the effect of sequence changes on RNA splicing suggest that this variant may disrupt the consensus splice site. In summary, the currently available evidence indicates that the variant is pathogenic, but additional data are needed to prove that conclusively. Therefore, this variant has been classified as Likely Pathogenic.

Literature cited by the submitters: PubMed 16199547; PubMed 12766769; PubMed 18671281.

NM_025074.7(FRAS1):c.6583+1G>C

Gene: FRAS1 (Fraser extracellular matrix complex subunit 1; plus strand). Cytogenetic location: 4q21.21.
Variant type: single nucleotide variant.
Coding change: c.6583+1G>C on transcript NM_025074.7 (MANE Select); the canonical splice donor site of the intron after coding-DNA position 6583, G replaced by C.
Molecular consequence: splice donor variant.
Genome position (GRCh38, 1-based): chr4:78,451,892, G>C. VCF-style: chr4-78451892-G-C. GRCh37 (hg19) VCF-style: chr4-79373046-G-C.
Identifiers: ClinVar variation 3643524 (VCV003643524.2).